The following is an entry in ClinVar:

ClinVar aggregate classification (germline): Uncertain significance (1 of 4 stars; one submission).

Allele frequency attached by ClinVar (database versions not stated): gnomAD exomes below 0.00001; TOPMed 0.00001.
gnomAD v4.1: 3 of 1,553,836 alleles (0.00019%); highest among the groups gnomAD compares: East Asian, 0.0077%; no homozygotes.

Submission:

Labcorp Genetics (formerly Invitae), Labcorp
Classification: Uncertain significance. Last evaluated: 2023-12-30. Review status: criteria provided, single submitter. Criteria: Invitae Variant Classification Sherloc (09022015). Collection method: clinical testing. Allele origin: germline.
Comment: This sequence change replaces proline, which is neutral and non-polar, with leucine, which is neutral and non-polar, at codon 2125 of the SPTBN4 protein (p.Pro2125Leu). This variant is present in population databases (no rsID available, gnomAD 0.009%). This variant has not been reported in the literature in individuals affected with SPTBN4-related conditions. Advanced modeling of protein sequence and biophysical properties (such as structural, functional, and spatial information, amino acid conservation, physicochemical variation, residue mobility, and thermodynamic stability) performed at Invitae indicates that this missense variant is not expected to disrupt SPTBN4 protein function with a negative predictive value of 95%. In summary, the available evidence is currently insufficient to determine the role of this variant in disease. Therefore, it has been classified as a Variant of Uncertain Significance.

NM_020971.3(SPTBN4):c.6374C>T (p.Pro2125Leu)

Gene: SPTBN4 (spectrin beta, non-erythrocytic 4; plus strand). Cytogenetic location: 19q13.2.
Variant type: single nucleotide variant.
Coding change: c.6374C>T on transcript NM_020971.3 (MANE Select); coding-DNA position 6374, C replaced by T.
Protein change: p.Pro2125Leu; replaces proline 2125 with leucine.
Molecular consequence: missense variant.
Genome position (GRCh38, 1-based): chr19:40,567,700, C>T. VCF-style: chr19-40567700-C-T. GRCh37 (hg19) VCF-style: chr19-41073606-C-T.
Other names: short protein forms P2125L.
Identifiers: ClinVar variation 2912793 (VCV002912793.3), dbSNP rs1456678234, ClinGen allele CA405914428.
Genomic context (GRCh38, chr19:40,567,700, plus strand): 5'-AACCCTGGTCCCTCCATCCTCAGATCGAGAAAATCAAAGCGGAACAGAGCAAGCAGCCGC[C>T]TACCCCACTGCTGGGGCGCAAGTTCTTTGGGGACCCCACGGAACTGGCGGCCAAGGCGGC-3'
Protein context (NP_066022.2, residues 2115-2135): KIKAEQSKQP[Pro2125Leu]TPLLGRKFFG